The following is an entry in ClinVar:

NM_020928.2(ZSWIM6):c.346C>G (p.Arg116Gly)

Gene: ZSWIM6 (zinc finger SWIM-type containing 6; plus strand). Cytogenetic location: 5q12.1.
Variant type: single nucleotide variant.
Coding change: c.346C>G on transcript NM_020928.2 (MANE Select); coding-DNA position 346, C replaced by G.
Protein change: p.Arg116Gly; replaces arginine 116 with glycine.
Molecular consequence: missense variant.
Genome position (GRCh38, 1-based): chr5:61,332,618, C>G. VCF-style: chr5-61332618-C-G. GRCh37 (hg19) VCF-style: chr5-60628445-C-G.
Other names: short protein forms R116G.
Identifiers: ClinVar variation 3774601 (VCV003774601.1).

ClinVar aggregate classification (germline): Uncertain significance (1 of 4 stars; one submission).

Submission:

GeneDx
Classification: Uncertain significance. Last evaluated: 2024-09-25. Review status: criteria provided, single submitter. Criteria: GeneDx Variant Classification Process June 2021. Collection method: clinical testing. Allele origin: germline. Affected: yes.
Comment: Not observed at significant frequency in large population cohorts (gnomAD); In silico analysis supports that this missense variant has a deleterious effect on protein structure/function; Has not been previously published as pathogenic or benign to our knowledge